The following is an entry in ClinVar:

ClinVar aggregate classification (germline): Uncertain significance (1 of 4 stars; one submission).

Conditions:
Hypertrophic cardiomyopathy 19. Also called: Familial hypertrophic cardiomyopathy 19. Identifiers: MedGen CN077603, MONDO:0013476.

Allele frequency attached by ClinVar (database versions not stated): gnomAD 0.00001.
gnomAD v4.1: 1 of 1,613,900 alleles (0.000062%); highest among the groups gnomAD compares: African/African-American, 0.0013%; no homozygotes.

Submission:

Labcorp Genetics (formerly Invitae), Labcorp
Classification: Uncertain significance for Hypertrophic cardiomyopathy 19. Last evaluated: 2022-06-20. Review status: criteria provided, single submitter. Criteria: Invitae Variant Classification Sherloc (09022015). Collection method: clinical testing. Allele origin: germline.
Comment: In summary, the available evidence is currently insufficient to determine the role of this variant in disease. Therefore, it has been classified as a Variant of Uncertain Significance. Algorithms developed to predict the effect of missense changes on protein structure and function are either unavailable or do not agree on the potential impact of this missense change (SIFT: "Deleterious"; PolyPhen-2: "Probably Damaging"; Align-GVGD: "Class C0"). ClinVar contains an entry for this variant (Variation ID: 1044297). This variant has not been reported in the literature in individuals affected with CALR3-related conditions. This variant is not present in population databases (gnomAD no frequency). This sequence change replaces tryptophan, which is neutral and slightly polar, with cysteine, which is neutral and slightly polar, at codon 200 of the CALR3 protein (p.Trp200Cys).

NM_145046.5(CALR3):c.600G>C (p.Trp200Cys)

Gene: CALR3 (calreticulin 3; minus strand). Cytogenetic location: 19p13.11.
Variant type: single nucleotide variant.
Coding change: c.600G>C on transcript NM_145046.5 (MANE Select); coding-DNA position 600, G replaced by C.
Protein change: p.Trp200Cys; replaces tryptophan 200 with cysteine.
Molecular consequence: missense variant.
Genome position (GRCh38, 1-based): chr19:16,484,008, C>G on the plus strand (G>C on the coding strand, the complement: CALR3 is on the minus strand). VCF-style: chr19-16484008-C-G. GRCh37 (hg19) VCF-style: chr19-16594819-C-G.
Other names: short protein forms W200C.
Identifiers: ClinVar variation 1044297 (VCV001044297.9), dbSNP rs2093384836, ClinGen allele CA404609568.
Genomic context (GRCh38, chr19:16,484,008, plus strand): 5'-AGTCTGTTCCCAATCCTTCGATTCTGCCGGGGACGTTTCCTTCTTGAGTGATGTTAAGTT[C>G]CAGTCGTACTCTATGCTGCCGGATTCAATTGACTGACCATCAATTTTCACATCATAAGAA-3'
Protein context (NP_659483.2, residues 190-210): SIESGSIEYD[Trp200Cys]NLTSLKKETS